The following is an entry in ClinVar:

NM_006593.4(TBR1):c.1237G>C (p.Asp413His)

Gene: TBR1 (T-box brain transcription factor 1; plus strand). Cytogenetic location: 2q24.2.
Variant type: single nucleotide variant.
Coding change: c.1237G>C on transcript NM_006593.4 (MANE Select); coding-DNA position 1237, G replaced by C.
Protein change: p.Asp413His; replaces aspartic acid 413 with histidine.
Molecular consequence: missense variant.
Genome position (GRCh38, 1-based): chr2:161,423,415, G>C. VCF-style: chr2-161423415-G-C. GRCh37 (hg19) VCF-style: chr2-162279926-G-C.
Other names: c.1237G>C (NM_006593.2); short protein forms D413H.
Identifiers: ClinVar variation 2446042 (VCV002446042.2), dbSNP rs2468098918, ClinGen allele CA349213289.

ClinVar aggregate classification (germline): Conflicting classifications of pathogenicity. Review status: criteria provided, conflicting classifications (1 of 4 stars). 2 submissions from 2 submitters: Likely pathogenic (1); Uncertain significance (1). Last evaluated 2026-03-10.

Submissions (2):

GeneDx
Classification: Uncertain significance. Last evaluated: 2026-03-10. Review status: criteria provided, single submitter. Criteria: GeneDx Variant Classification Process June 2021. Collection method: clinical testing. Allele origin: germline.
Comment: Not observed at significant frequency in large population cohorts (gnomAD); In silico analysis supports that this missense variant has a deleterious effect on protein structure/function; Has not been previously published as pathogenic or benign to our knowledge

Center for Personalized Medicine, Children's Hospital Los Angeles
Classification: Likely pathogenic. Last evaluated: 2022-12-21. Review status: criteria provided, single submitter. Criteria: ACMG Guidelines, 2015. Collection method: clinical testing. Allele origin: de novo. Affected: yes.